The following is an entry in ClinVar:

ClinVar aggregate classification (germline): Uncertain significance. Review status: criteria provided, multiple submitters, no conflicts (2 of 4 stars). 7 submissions from 7 submitters: Uncertain significance (6). 1 of the submissions does not count toward it. Last evaluated 2026-02-16.

Conditions:
MYH7-related disorder. Also called: MYH7-related condition; MYH7-related disease; MYH7-related disorders.
Cardiovascular phenotype. Identifiers: MedGen CN230736.
Cardiomyopathy (CMYO). Also called: Cardiomyopathies. Identifiers: Orphanet 167848, MedGen C0878544, MONDO:0004994, HP:0001638. Inheritance: Various modes of inheritance.
Hypertrophic cardiomyopathy. Also called: HYPERTROPHIC MYOCARDIOPATHY. Identifiers: Orphanet 217569, MedGen C0007194, MeSH D002312, MONDO:0005045, HP:0001639.

Submissions (7):

Ambry Genetics
Classification: Uncertain significance for Cardiovascular phenotype. Last evaluated: 2026-02-16. Review status: criteria provided, single submitter. Criteria: Ambry Variant Classification Scheme 2023. Collection method: clinical testing. Allele origin: germline.

Color Diagnostics, LLC DBA Color Health
Classification: Uncertain significance for Cardiomyopathy. Last evaluated: 2024-06-12. Review status: criteria provided, single submitter. Criteria: ACMG Guidelines, 2015. Collection method: clinical testing. Allele origin: germline.
Comment: This missense variant replaces arginine with lysine at codon 1613 of the MYH7 protein. Computational prediction is inconclusive regarding the impact of this variant on protein structure and function (internally defined REVEL score threshold 0.5 < inconclusive < 0.7, PMID: 27666373). To our knowledge, functional studies have not been reported for this variant. This variant has not been reported in individuals affected with MYH7-related disorders in the literature. This variant has not been identified in the general population by the Genome Aggregation Database (gnomAD). The available evidence is insufficient to determine the role of this variant in disease conclusively. Therefore, this variant is classified as a Variant of Uncertain Significance.

All of Us Research Program, National Institutes of Health
Classification: Uncertain significance for Cardiomyopathy. Last evaluated: 2023-03-04. Review status: criteria provided, single submitter. Criteria: ACMG Guidelines, 2015. Collection method: clinical testing. Allele origin: germline. Inheritance: Autosomal dominant inheritance. Observed: 1 variant allele, 1 heterozygote.
Comment: This study involves interpretation of variants in research participants for the purpose of population health screening. Participant phenotype was not available at the time of variant classification. Additional details can be found in publication PMID: 35346344, PMCID: PMC8962531

GeneDx
Classification: Uncertain significance. Last evaluated: 2022-12-15. Review status: criteria provided, single submitter. Criteria: GeneDx Variant Classification Process June 2021. Collection method: clinical testing. Allele origin: germline. Affected: yes.
Comment: Reported in association with HCM in published literature (Ingles et al., 2019); Not observed at significant frequency in large population cohorts (gnomAD); In silico analysis supports that this missense variant does not alter protein structure/function; This variant is associated with the following publications: (PMID: 30681346)

Labcorp Genetics (formerly Invitae), Labcorp
Classification: Uncertain significance for Hypertrophic cardiomyopathy. Last evaluated: 2022-11-28. Review status: criteria provided, single submitter. Criteria: Invitae Variant Classification Sherloc (09022015). Collection method: clinical testing. Allele origin: germline.
Comment: This variant is not present in population databases (gnomAD no frequency). This variant has not been reported in the literature in individuals affected with MYH7-related conditions. ClinVar contains an entry for this variant (Variation ID: 43041). Advanced modeling of protein sequence and biophysical properties (such as structural, functional, and spatial information, amino acid conservation, physicochemical variation, residue mobility, and thermodynamic stability) performed at Invitae indicates that this missense variant is expected to disrupt MYH7 protein function. In summary, the available evidence is currently insufficient to determine the role of this variant in disease. Therefore, it has been classified as a Variant of Uncertain Significance. This sequence change replaces arginine, which is basic and polar, with lysine, which is basic and polar, at codon 1613 of the MYH7 protein (p.Arg1613Lys).

Laboratory for Molecular Medicine, Mass General Brigham Personalized Medicine
Classification: Uncertain significance. Last evaluated: 2013-08-22. Review status: criteria provided, single submitter. Criteria: LMM Criteria. Collection method: clinical testing. Allele origin: germline. Observed: 2 variant alleles.
Comment: Com putational analyses (biochemical amino acid properties, conservation, AlignGVGD, PolyPhen2, and SIFT) do not provide strong support for or against an impact to the protein. Additional information is needed to fully assess the clinical signi ficance of the Arg1613Lys variant.

PreventionGenetics, part of Exact Sciences
Classification: Uncertain significance for MYH7-related condition. Last evaluated: 2024-08-27. Review status: no assertion criteria provided. Collection method: clinical testing. Allele origin: germline. Not counted in ClinVar's aggregate classification.
Comment: The MYH7 c.4838G>A variant is predicted to result in the amino acid substitution p.Arg1613Lys. To our knowledge, this variant has not been reported in the literature or in a large population database, indicating this variant is rare. Of note, adjacent variants (p.Glu1610Lys, p.Glu1610Gln, p.Ala1611Val, p.Leu1612Pro) have been reported in patients with cardiomyopathy and muscular dystrophy (Lamont et al. 2014. PubMed ID: 24664454; Marston et al. 2015. PubMed ID: 26406308; Rupp et al. 2018. PubMed ID: 30105547; Supplemental Table 4, Töpf et al. 2020. PubMed ID: 32528171). At this time, the clinical significance of this variant is uncertain due to the absence of conclusive functional and genetic evidence.

NM_000257.4(MYH7):c.4838G>A (p.Arg1613Lys)

Genes: MHRT (myosin heavy chain associated RNA transcript; plus strand), MYH7 (myosin heavy chain 7; minus strand), LOC126861897 (BRD4-independent group 4 enhancer GRCh37_chr14:23884455-23885654; plus strand). Cytogenetic location: 14q11.2.
Variant type: single nucleotide variant.
Coding change: c.4838G>A on transcript NM_000257.4 (MANE Select); coding-DNA position 4838, G replaced by A.
Protein change: p.Arg1613Lys; replaces arginine 1613 with lysine.
Molecular consequence: missense variant. On other transcripts: non-coding transcript variant (1).
Genome position (GRCh38, 1-based): chr14:23,416,119, C>T on the plus strand (G>A on the coding strand, the complement: MYH7 is on the minus strand). VCF-style: chr14-23416119-C-T. GRCh37 (hg19) VCF-style: chr14-23885328-C-T.
Other names: c.4838G>A (NM_000257.3); short protein forms R1613K.
Identifiers: ClinVar variation 43041 (VCV000043041.17), dbSNP rs397516230, ClinGen allele CA015403.
Genomic context (GRCh38, chr14:23,416,119, plus strand): 5'-TTGGCGTGGCTGAGCTGGATCTCCATCTCATTGAGGTCTCCTTCCATCTTCTTCTTCACC[C>T]TCAGGGCCTCGTTGCGGCTGCGTGTCTCTGCGTCCAGGGAGGTCTGCAGCGAGTCCACCA-3'
Protein context (NP_000248.2, residues 1603-1623): AETRSRNEAL[Arg1613Lys]VKKKMEGDLN